The following is an entry in ClinVar:

NM_080669.6(SLC46A1):c.1073T>A (p.Met358Lys)

Gene: SLC46A1 (solute carrier family 46 member 1; minus strand). Cytogenetic location: 17q11.2.
Variant type: single nucleotide variant.
Coding change: c.1073T>A on transcript NM_080669.6 (MANE Select); coding-DNA position 1073, T replaced by A.
Protein change: p.Met358Lys; replaces methionine 358 with lysine.
Molecular consequence: missense variant.
Genome position (GRCh38, 1-based): chr17:28,404,624, A>T on the plus strand (T>A on the coding strand, the complement: SLC46A1 is on the minus strand). VCF-style: chr17-28404624-A-T. GRCh37 (hg19) VCF-style: chr17-26731642-A-T.
Other names: c.1073T>A, p.Met358Lys (NM_001242366.3); short protein forms M358K.
Identifiers: ClinVar variation 1518482 (VCV001518482.6), dbSNP rs781962021, ClinGen allele CA398345608.

ClinVar aggregate classification (germline): Uncertain significance (1 of 4 stars; one submission).

Submission:

Labcorp Genetics (formerly Invitae), Labcorp
Classification: Uncertain significance. Last evaluated: 2021-09-10. Review status: criteria provided, single submitter. Criteria: Invitae Variant Classification Sherloc (09022015). Collection method: clinical testing. Allele origin: germline.
Comment: In summary, the available evidence is currently insufficient to determine the role of this variant in disease. Therefore, it has been classified as a Variant of Uncertain Significance. Experimental studies and prediction algorithms are not available or were not evaluated, and the functional significance of this variant is currently unknown. This variant has not been reported in the literature in individuals affected with SLC46A1-related conditions. This variant is not present in population databases (ExAC no frequency). This sequence change replaces methionine with lysine at codon 358 of the SLC46A1 protein (p.Met358Lys). The methionine residue is moderately conserved and there is a moderate physicochemical difference between methionine and lysine.